The following is an entry in ClinVar:

NM_000038.6(APC):c.6766C>T (p.Pro2256Ser)

Gene: APC (APC regulator of Wnt signaling pathway; plus strand). Cytogenetic location: 5q22.2.
Variant type: single nucleotide variant.
Coding change: c.6766C>T on transcript NM_000038.6 (MANE Select); coding-DNA position 6766, C replaced by T.
Protein change: p.Pro2256Ser; replaces proline 2256 with serine.
Molecular consequence: missense variant.
Genome position (GRCh38, 1-based): chr5:112,842,360, C>T. VCF-style: chr5-112842360-C-T. GRCh37 (hg19) VCF-style: chr5-112178057-C-T.
Other names: c.6766C>T, p.Pro2256Ser (NM_001127510.3, NM_001354895.2); c.6712C>T, p.Pro2238Ser (NM_001127511.3); c.6820C>T, p.Pro2274Ser (NM_001354896.2); c.6796C>T, p.Pro2266Ser (NM_001354897.2); c.6691C>T, p.Pro2231Ser (NM_001354898.2); c.6682C>T, p.Pro2228Ser (NM_001354899.2); c.6643C>T, p.Pro2215Ser (NM_001354900.2); c.6589C>T, p.Pro2197Ser (NM_001354901.2); and 5 more; short protein forms P2238S, P2256S, P2197S, P2215S, P2228S, P1973S, P2096S, P2130S.
Identifiers: ClinVar variation 629216 (VCV000629216.51), dbSNP rs1253813996, ClinGen allele CA16036112.

ClinVar aggregate classification (germline): Uncertain significance. Review status: criteria provided, multiple submitters, no conflicts (2 of 4 stars). 2 submissions from 2 submitters: Uncertain significance (2). Last evaluated 2024-04-30.

Conditions:
Hereditary cancer-predisposing syndrome. Also called: Neoplastic Syndromes, Hereditary; Tumor predisposition; Hereditary neoplastic syndrome; Hereditary Cancer Syndrome. Identifiers: Orphanet 140162, MedGen C0027672, MeSH D009386, MONDO:0015356.
Familial adenomatous polyposis 1 (FAP1). Also called: POLYPOSIS, ADENOMATOUS INTESTINAL; FAMILIAL ADENOMATOUS POLYPOSIS 1, ATTENUATED. Identifiers: MedGen C2713442, MONDO:0021056, OMIM 175100. Disease mechanism: loss of function.

gnomAD v4.1: 1 of 1,614,010 alleles (0.000062%); highest among the groups gnomAD compares: Non-Finnish European, 0.000085%; no homozygotes.

Submissions (2):

Labcorp Genetics (formerly Invitae), Labcorp
Classification: Uncertain significance for Familial adenomatous polyposis 1. Last evaluated: 2024-04-30. Review status: criteria provided, single submitter. Criteria: Invitae Variant Classification Sherloc (09022015). Collection method: clinical testing. Allele origin: germline.
Comment: This sequence change replaces proline, which is neutral and non-polar, with serine, which is neutral and polar, at codon 2256 of the APC protein (p.Pro2256Ser). This variant is not present in population databases (gnomAD no frequency). This variant has not been reported in the literature in individuals affected with APC-related conditions. ClinVar contains an entry for this variant (Variation ID: 629216). Advanced modeling of protein sequence and biophysical properties (such as structural, functional, and spatial information, amino acid conservation, physicochemical variation, residue mobility, and thermodynamic stability) performed at Invitae indicates that this missense variant is not expected to disrupt APC protein function with a negative predictive value of 95%. In summary, the available evidence is currently insufficient to determine the role of this variant in disease. Therefore, it has been classified as a Variant of Uncertain Significance.

Color Diagnostics, LLC DBA Color Health
Classification: Uncertain significance for Hereditary cancer-predisposing syndrome. Last evaluated: 2024-03-06. Review status: criteria provided, single submitter. Criteria: ACMG Guidelines, 2015. Collection method: clinical testing. Allele origin: germline.
Comment: This missense variant replaces proline with serine at codon 2256 of the APC protein. Computational prediction suggests that this variant may not impact protein structure and function (internally defined REVEL score threshold <= 0.5, PMID: 27666373). To our knowledge, functional studies have not been reported for this variant. This variant has not been reported in individuals affected with APC-related disorders in the literature. This variant has not been identified in the general population by the Genome Aggregation Database (gnomAD). The available evidence is insufficient to determine the role of this variant in disease conclusively. Therefore, this variant is classified as a Variant of Uncertain Significance.